The following is an entry in ClinVar:

ClinVar aggregate classification (germline): Uncertain significance. Review status: criteria provided, multiple submitters, no conflicts (2 of 4 stars). 3 submissions from 3 submitters: Uncertain significance (3). Last evaluated 2025-11-26.

Conditions:
Inborn genetic diseases. Identifiers: MedGen C0950123, MeSH D030342.
Fanconi anemia (FA). Also called: Fanconi's anemia. Identifiers: Orphanet 84, MedGen C0015625, MeSH D005199, MONDO:0019391.
Fanconi anemia complementation group D2. Also called: FANCD2-Related Fanconi Anemia; FANCONI PANCYTOPENIA, TYPE 4; FANCONI ANEMIA, COMPLEMENTATION GROUP D. Identifiers: Orphanet 84, MedGen C3160738, MONDO:0009214, OMIM 227646.

Allele frequency attached by ClinVar (database versions not stated): ExAC 0.00002; gnomAD exomes 0.00001 and 0.00002.
gnomAD v4.1: 8 of 1,598,966 alleles (0.0005%); highest among the groups gnomAD compares: Admixed American, 0.0085%; no homozygotes.

Submissions (3):

Ambry Genetics
Classification: Uncertain significance for Inborn genetic diseases. Last evaluated: 2025-11-26. Review status: criteria provided, single submitter. Criteria: Ambry Variant Classification Scheme 2023. Collection method: clinical testing. Allele origin: germline.

Fulgent Genetics
Classification: Uncertain significance for Fanconi anemia complementation group D2. Last evaluated: 2022-03-28. Review status: criteria provided, single submitter. Criteria: ACMG Guidelines, 2015. Collection method: clinical testing. Allele origin: unknown.

Labcorp Genetics (formerly Invitae), Labcorp
Classification: Uncertain significance for Fanconi anemia. Last evaluated: 2021-08-28. Review status: criteria provided, single submitter. Criteria: Invitae Variant Classification Sherloc (09022015). Collection method: clinical testing. Allele origin: germline.
Comment: This sequence change replaces isoleucine with valine at codon 1141 of the FANCD2 protein (p.Ile1141Val). The isoleucine residue is weakly conserved and there is a small physicochemical difference between isoleucine and valine. This variant is present in population databases (rs752815037, ExAC 0.009%). This variant has not been reported in the literature in individuals affected with FANCD2-related conditions. Algorithms developed to predict the effect of missense changes on protein structure and function (SIFT, PolyPhen-2, Align-GVGD) all suggest that this variant is likely to be tolerated. In summary, the available evidence is currently insufficient to determine the role of this variant in disease. Therefore, it has been classified as a Variant of Uncertain Significance.

NM_001018115.3(FANCD2):c.3421A>G (p.Ile1141Val)

Genes: FANCD2 (FA complementation group D2; plus strand), FANCD2OS (FANCD2 opposite strand; minus strand). Cytogenetic location: 3p25.3.
Variant type: single nucleotide variant.
Coding change: c.3421A>G on transcript NM_001018115.3 (MANE Select); coding-DNA position 3421, A replaced by G.
Protein change: p.Ile1141Val; replaces isoleucine 1141 with valine.
Molecular consequence: missense variant. On other transcripts: intron variant (1).
Genome position (GRCh38, 1-based): chr3:10,087,219, A>G. VCF-style: chr3-10087219-A-G. GRCh37 (hg19) VCF-style: chr3-10128903-A-G.
Other names: c.3421A>G, p.Ile1141Val (NM_001319984.2, NM_001374254.1, NM_033084.6); c.3310A>G, p.Ile1104Val (NM_001374253.1); c.*44-5688T>C (NM_173472.2); short protein forms I1141V, I1104V.
Identifiers: ClinVar variation 1449209 (VCV001449209.7), dbSNP rs752815037, ClinGen allele CA2250378.
Genomic context (GRCh38, chr3:10,087,219, plus strand): 5'-TTCCATCAAAGCATTCCCAGTTTCCAGTGTGCTCTTTATCTCATCAGACTTTTGATGGTT[A>G]TTTTGGAGAAATCAACAGCTTCTGCTCAGAACAAAGAAAAAATTGGTGATGGGCCTAGAT-3'
Protein context (NP_001018125.1, residues 1131-1151): ALYLIRLLMV[Ile1141Val]LEKSTASAQN